The following is an entry in ClinVar:

ClinVar aggregate classification (germline): Conflicting classifications of pathogenicity. Review status: criteria provided, conflicting classifications (1 of 4 stars). 2 submissions from 2 submitters: Uncertain significance (1); Likely benign (1). Last evaluated 2026-04-08.

Allele frequency attached by ClinVar (database versions not stated): ExAC 0.00016.
gnomAD v4.1: 582 of 1,610,202 alleles (0.036%); highest among the groups gnomAD compares: Middle Eastern, 0.35%; 2 homozygotes.

Submissions (2):

Women's Health and Genetics/Laboratory Corporation of America, LabCorp
Classification: Uncertain significance. Last evaluated: 2026-04-08. Review status: criteria provided, single submitter. Criteria: LabCorp Variant Classification Summary - May 2015. Collection method: clinical testing. Allele origin: germline.
Comment: Variant summary: ATAD3A c.730T>C (p.Trp244Arg) results in a non-conservative amino acid change in the encoded protein sequence. Algorithms developed to predict the effect of missense changes on protein structure and function are either unavailable or do not agree on the potential impact of this missense change. The variant allele was found at a frequency of 0.00014 in 250952 control chromosomes in the gnomAD database, including 1 homozygote. This frequency is not significantly higher than estimated for disease-causing variants in ATAD3A, allowing no conclusion about variant significance. To our knowledge, no occurrence of c.730T>C in individuals affected with ATAD3A-related conditions and no experimental evidence demonstrating its impact on protein function have been reported. ClinVar contains an entry for this variant (Variation ID: 2672319). Based on the evidence outlined above, the variant was classified as uncertain significance.

CeGaT Center for Human Genetics Tuebingen
Classification: Likely benign. Last evaluated: 2023-11-01. Review status: criteria provided, single submitter. Criteria: CeGaT Center For Human Genetics Tuebingen Variant Classification Criteria Version 2. Collection method: clinical testing. Allele origin: germline. Affected: yes. Observed: 1 variant allele.
Comment: ATAD3A: BS2

NM_001170535.3(ATAD3A):c.730T>C (p.Trp244Arg)

Gene: ATAD3A (ATPase family AAA domain containing 3A; plus strand). Cytogenetic location: 1p36.33.
Variant type: single nucleotide variant.
Coding change: c.730T>C on transcript NM_001170535.3 (MANE Select); coding-DNA position 730, T replaced by C.
Protein change: p.Trp244Arg; replaces tryptophan 244 with arginine.
Molecular consequence: missense variant.
Genome position (GRCh38, 1-based): chr1:1,520,597, T>C. VCF-style: chr1-1520597-T-C. GRCh37 (hg19) VCF-style: chr1-1455977-T-C.
Other names: c.493T>C, p.Trp165Arg (NM_001170536.3); c.874T>C, p.Trp292Arg (NM_018188.5); short protein forms W165R, W244R, W292R.
Identifiers: ClinVar variation 2672319 (VCV002672319.24), dbSNP rs2767468, ClinGen allele CA525937.